The following is an entry in ClinVar:

NM_014946.4(SPAST):c.1487T>G (p.Val496Gly)

Gene: SPAST (spastin; plus strand). Cytogenetic location: 2p22.3.
Variant type: single nucleotide variant.
Coding change: c.1487T>G on transcript NM_014946.4 (MANE Select); coding-DNA position 1487, T replaced by G.
Protein change: p.Val496Gly; replaces valine 496 with glycine.
Molecular consequence: missense variant.
Genome position (GRCh38, 1-based): chr2:32,137,182, T>G. VCF-style: chr2-32137182-T-G. GRCh37 (hg19) VCF-style: chr2-32362251-T-G.
Other names: c.1484T>G, p.Val495Gly (NM_001363823.2); c.1388T>G, p.Val463Gly (NM_001363875.2); c.1391T>G, p.Val464Gly (NM_001377959.1, NM_199436.2); short protein forms V463G, V464G, V495G, V496G.
Identifiers: ClinVar variation 1312240 (VCV001312240.2), dbSNP rs867575128, ClinGen allele CA346502538.

ClinVar aggregate classification (germline): Uncertain significance (1 of 4 stars; one submission).

Submission:

GeneDx
Classification: Uncertain significance. Last evaluated: 2019-10-03. Review status: criteria provided, single submitter. Criteria: GeneDx Variant Classification Process June 2021. Collection method: clinical testing. Allele origin: germline. Affected: yes.
Comment: Has not been previously published as pathogenic or benign to our knowledge; Not observed in large population cohorts (Lek et al., 2016); In silico analysis, which includes protein predictors and evolutionary conservation, supports a deleterious effect